The following is an entry in ClinVar:

NM_020745.4(AARS2):c.706dup (p.Gln236fs)

Gene: AARS2 (alanyl-tRNA synthetase 2, mitochondrial; minus strand). Cytogenetic location: 6p21.1.
Variant type: Duplication.
Coding change: c.706dup on transcript NM_020745.4 (MANE Select); coding-DNA position 706, one base duplicated (C; older notation c.706dupC).
Protein change: p.Gln236fs; shifts the reading frame from glutamine 236.
Molecular consequence: frameshift variant.
Genome position (GRCh38, 1-based): chr6:44,311,037, G duplicated on the plus strand (C on the coding strand, the reverse complement: AARS2 is on the minus strand); the first of 6 consecutive G bases (chr6:44,311,037-44,311,042); duplicating any one gives the same sequence. VCF-style (leftmost placement, unchanged base first): chr6-44311036-T-TG. GRCh37 (hg19) VCF-style: chr6-44278773-T-TG.
Other names: short protein forms Q236fs.
Identifiers: ClinVar variation 4526971 (VCV004526971.1).

ClinVar aggregate classification (germline): Likely pathogenic (1 of 4 stars; one submission).

Submission:

GeneDx
Classification: Likely pathogenic. Last evaluated: 2025-04-13. Review status: criteria provided, single submitter. Criteria: GeneDx Variant Classification Process June 2021. Collection method: clinical testing. Allele origin: germline. Affected: yes.
Comment: Reported with a pathogenic variant in a patient in published literature with leukodystrophy, but it is not known whether the variants occurred on the same (in cis) or on different (in trans) chromosomes (Younger DS. (2019) World Journal of Neuroscience. 9 :224-228); Frameshift variant predicted to result in protein truncation or nonsense mediated decay in a gene for which loss of function is a known mechanism of disease; Not observed at significant frequency in large population cohorts (gnomAD); This variant is associated with the following publications: (PMID: Younger2019[CaseReport])